The following is an entry in ClinVar:

ClinVar aggregate classification (germline): Uncertain significance (1 of 4 stars; one submission).

Allele frequency attached by ClinVar (database versions not stated): gnomAD exomes below 0.00001.
gnomAD v4.1: 1 of 1,614,158 alleles (0.000062%); highest among the groups gnomAD compares: Non-Finnish European, 0.000085%; no homozygotes.

Submission:

GeneDx
Classification: Uncertain significance. Last evaluated: 2022-11-29. Review status: criteria provided, single submitter. Criteria: GeneDx Variant Classification Process June 2021. Collection method: clinical testing. Allele origin: germline. Affected: yes.
Comment: Not observed at significant frequency in large population cohorts (gnomAD); In silico analysis supports that this missense variant has a deleterious effect on protein structure/function; Has not been previously published as pathogenic or benign to our knowledge

NM_001376.5(DYNC1H1):c.3895A>G (p.Lys1299Glu)

Gene: DYNC1H1 (dynein cytoplasmic 1 heavy chain 1; plus strand). Cytogenetic location: 14q32.31.
Variant type: single nucleotide variant.
Coding change: c.3895A>G on transcript NM_001376.5 (MANE Select); coding-DNA position 3895, A replaced by G.
Protein change: p.Lys1299Glu; replaces lysine 1299 with glutamic acid.
Molecular consequence: missense variant.
Genome position (GRCh38, 1-based): chr14:102,000,079, A>G. VCF-style: chr14-102000079-A-G. GRCh37 (hg19) VCF-style: chr14-102466416-A-G.
Other names: short protein forms K1299E.
Identifiers: ClinVar variation 1304472 (VCV001304472.2), dbSNP rs2141285043, ClinGen allele CA391038507.
Genomic context (GRCh38, chr14:102,000,079, plus strand): 5'-GCTCTCACCATATATGAGGGGAAGTTTGGTAGGCTGAAGGACGACAGAGAGAAGTGTGCA[A>G]AGGCCAAGGAGGCGCTGGAATTGACAGATACTGGGCTTCTCAGTGGCAGTGAAGAGCGCG-3'
Protein context (NP_001367.2, residues 1289-1309): RLKDDREKCA[Lys1299Glu]AKEALELTDT